The following is an entry in ClinVar:

NM_001252024.2(TRPM1):c.280T>C (p.Tyr94His)

Gene: TRPM1 (transient receptor potential cation channel subfamily M member 1; minus strand). Cytogenetic location: 15q13.3.
Variant type: single nucleotide variant.
Coding change: c.280T>C on transcript NM_001252024.2 (MANE Select); coding-DNA position 280, T replaced by C.
Protein change: p.Tyr94His; replaces tyrosine 94 with histidine.
Molecular consequence: missense variant.
Genome position (GRCh38, 1-based): chr15:31,068,092, A>G on the plus strand (T>C on the coding strand, the complement: TRPM1 is on the minus strand). VCF-style: chr15-31068092-A-G. GRCh37 (hg19) VCF-style: chr15-31360295-A-G.
Other names: c.331T>C, p.Tyr111His (NM_001252020.2); c.214T>C, p.Tyr72His (NM_002420.6); short protein forms Y111H, Y72H, Y94H.
Identifiers: ClinVar variation 2811592 (VCV002811592.3), dbSNP rs775712832, ClinGen allele CA7452987.

ClinVar aggregate classification (germline): Likely pathogenic (1 of 4 stars; one submission).

Allele frequency attached by ClinVar (database versions not stated): gnomAD exomes below 0.00001; ExAC 0.00001.
gnomAD v4.1: 2 of 1,612,634 alleles (0.00012%); highest among the groups gnomAD compares: South Asian, 0.0022%; no homozygotes.

Submission:

Labcorp Genetics (formerly Invitae), Labcorp
Classification: Likely pathogenic. Last evaluated: 2022-11-02. Review status: criteria provided, single submitter. Criteria: Invitae Variant Classification Sherloc (09022015). Collection method: clinical testing. Allele origin: germline.
Comment: This sequence change replaces tyrosine, which is neutral and polar, with histidine, which is basic and polar, at codon 72 of the TRPM1 protein (p.Tyr72His). This variant is present in population databases (rs775712832, gnomAD 0.003%). This variant has not been reported in the literature in individuals affected with TRPM1-related conditions. Advanced modeling of protein sequence and biophysical properties (such as structural, functional, and spatial information, amino acid conservation, physicochemical variation, residue mobility, and thermodynamic stability) performed at Invitae indicates that this missense variant is expected to disrupt TRPM1 protein function. This variant disrupts the p.Tyr72 amino acid residue in TRPM1. Other variant(s) that disrupt this residue have been determined to be pathogenic (PMID: 19896113, 28559085, 29522070). This suggests that this residue is clinically significant, and that variants that disrupt this residue are likely to be disease-causing. In summary, the currently available evidence indicates that the variant is pathogenic, but additional data are needed to prove that conclusively. Therefore, this variant has been classified as Likely Pathogenic.

Literature cited by the submitters: PubMed 19896113; PubMed 28559085; PubMed 29522070.